The following is an entry in ClinVar:

ClinVar aggregate classification (germline): Uncertain significance (1 of 4 stars; one submission).

Conditions:
Early-infantile DEE. Also called: Early infantile epileptic encephalopathy; Early infantile epileptic encephalopathy with suppression bursts; Ohtahara syndrome. Identifiers: Orphanet 1934, MedGen C0393706, MONDO:0800491.

Allele frequency attached by ClinVar (database versions not stated): gnomAD 0.00003; gnomAD exomes 0.00003; ExAC 0.00004.
gnomAD v4.1: 47 of 1,596,284 alleles (0.0029%); highest among the groups gnomAD compares: Non-Finnish European, 0.0036%; no homozygotes.

Submission:

Labcorp Genetics (formerly Invitae), Labcorp
Classification: Uncertain significance for Early-infantile DEE. Last evaluated: 2025-09-03. Review status: criteria provided, single submitter. Criteria: Invitae Variant Classification Sherloc (09022015). Collection method: clinical testing. Allele origin: germline.
Comment: This sequence change replaces arginine, which is basic and polar, with glutamine, which is neutral and polar, at codon 105 of the ARHGEF15 protein (p.Arg105Gln). This variant is present in population databases (rs777484923, gnomAD 0.007%). This variant has not been reported in the literature in individuals affected with ARHGEF15-related conditions. ClinVar contains an entry for this variant (Variation ID: 1486697). An algorithm developed to predict the effect of missense changes on protein structure and function outputs the following: PolyPhen-2: "Benign". The glutamine amino acid residue is found in multiple mammalian species, which suggests that this missense change does not adversely affect protein function. In summary, the available evidence is currently insufficient to determine the role of this variant in disease. Therefore, it has been classified as a Variant of Uncertain Significance.

NM_173728.4(ARHGEF15):c.314G>A (p.Arg105Gln)

Gene: ARHGEF15 (Rho guanine nucleotide exchange factor 15; plus strand). Cytogenetic location: 17p13.1.
Variant type: single nucleotide variant.
Coding change: c.314G>A on transcript NM_173728.4 (MANE Select); coding-DNA position 314, G replaced by A.
Protein change: p.Arg105Gln; replaces arginine 105 with glutamine.
Molecular consequence: missense variant.
Genome position (GRCh38, 1-based): chr17:8,312,353, G>A. VCF-style: chr17-8312353-G-A. GRCh37 (hg19) VCF-style: chr17-8215671-G-A.
Other names: c.314G>A, p.Arg105Gln (NM_025014.2); short protein forms R105Q.
Identifiers: ClinVar variation 1486697 (VCV001486697.9), dbSNP rs777484923, ClinGen allele CA8374827.